The following is an entry in ClinVar:

ClinVar aggregate classification (germline): Pathogenic (1 of 4 stars; one submission).

Conditions:
3-Oxo-5 alpha-steroid delta 4-dehydrogenase deficiency (PPSH). Also called: 46,XY disorder of sex development due to 5-alpha-reductase 2 deficiency; PSEUDOVAGINAL PERINEOSCROTAL HYPOSPADIAS; FAMILIAL INCOMPLETE MALE PSEUDOHERMAPHRODITISM, TYPE 2; MALE PSEUDOHERMAPHRODITISM DUE TO 5-ALPHA-REDUCTASE DEFICIENCY. Identifiers: Orphanet 753, MedGen C0268297, MONDO:0009923, OMIM 264600. Disease mechanism: loss of function.

gnomAD v4.1: 2 of 1,613,702 alleles (0.00012%); highest among the groups gnomAD compares: South Asian, 0.0011%; no homozygotes.

Submission:

Clinical Biochemistry Laboratory, Health Services Laboratory
Classification: Pathogenic for 3-Oxo-5 alpha-steroid delta 4-dehydrogenase deficiency. Last evaluated: 2023-11-20. Review status: criteria provided, single submitter. Criteria: ACMG Guidelines, 2015. Collection method: clinical testing. Allele origin: germline. Affected: yes.
Comment: ACMG:PS5 PM2 PM3 PP4 PP5

NM_000348.4(SRD5A2):c.574G>A (p.Ala192Thr)

Gene: SRD5A2 (steroid 5 alpha-reductase 2; minus strand). Cytogenetic location: 2p23.1.
Variant type: single nucleotide variant.
Coding change: c.574G>A on transcript NM_000348.4 (MANE Select); coding-DNA position 574, G replaced by A.
Protein change: p.Ala192Thr; replaces alanine 192 with threonine.
Molecular consequence: missense variant.
Genome position (GRCh38, 1-based): chr2:31,529,431, C>T on the plus strand (G>A on the coding strand, the complement: SRD5A2 is on the minus strand). VCF-style: chr2-31529431-C-T. GRCh37 (hg19) VCF-style: chr2-31754501-C-T.
Other names: short protein forms A192T.
Identifiers: ClinVar variation 2674676 (VCV002674676.1), dbSNP rs2465625746, ClinGen allele CA346598092.